The following is an entry in ClinVar:

ClinVar aggregate classification (germline): Pathogenic (1 of 4 stars; one submission).

Submission:

Quest Diagnostics Nichols Institute San Juan Capistrano
Classification: Pathogenic. Last evaluated: 2021-08-13. Review status: criteria provided, single submitter. Criteria: ACMG/ClinGen CNV Guidelines, 2019. Collection method: clinical testing. Allele origin: unknown.
Comment: The copy number loss of 2p15 involves multiple protein-coding genes, including USP34 (OMIM 615295) and XPO1 (OMIM 602559), and is expected to cause phenotypic and/or behavioral abnormalities. Although none of the genes is currently associated with an OMIM phenotype, hemizygous deletions overlapping this region are associated with chromosome 2p16.1-p15 deletion syndrome (OMIM 612513), a neurodevelopmental disorder characterized by delayed psychomotor development, moderate-to-severe intellectual disability, and variable but distinctive dysmorphic features. Many patients have behavioral disorders, including autism/autistic features, as well as structural brain abnormalities (pachygyria, hypoplastic corpus callosum) and renal anomalies (multicystic kidney, hydronephrosis) (Levy 2017). Reported deletions range from 103 kb to 9.6 Mb and two critical regions have been proposed: a proximal region at 2p15 containing XPO1, SNORA70B and USP34 (fully encompassed in this interval) (Fannemel 2014), and a distal region at 2p16.1 containing BCL11A (OMIM 606557) (Peter 2014). Both critical regions share similar phenotypes, including developmental delay/intellectual disability, speech deficits, dysmorphic features, and brain abnormalities. There are multiple reports of affected individuals with deletions similar to or smaller than the current loss interval (Levy 2017, Bagheri 2016, Ronzoni 2015, Shimojima 2015, Fannemel 2014, Chabchoub 2008). References: Bagheri et al., JCI Insight. 2016 Mar 17;1(3):e85461. PMID: 27699255. Chabchoub et al., J Med Genet. 2008 Mar;45(3):189-92. PMID: 18310269. Fannemel et al., Eur J Med Genet. 2014 Sep;57(9):513-9. PMID: 24911659. Levy et al., Am J Med Genet A. 2017 Aug;173(8):2081-2087. PMID: 28573701. Peter et al., Am J Med Genet A. 2014 Aug;164A(8):2091-6. PMID: 24810580. Ronzoni et al., Congenit Anom (Kyoto). 2015 Nov;55(4):191-2. PMID: 26153024. Shimojima et al., Congenit Anom (Kyoto). 2015 Aug;55(3):125-32. PMID: 25900130.

GRCh37/hg19 2p15(chr2:61379352-61928100)x1

Genes: C2orf74 (chromosome 2 open reading frame 74; plus strand), USP34 (ubiquitin specific peptidase 34; minus strand), XPO1 (exportin 1; minus strand). Cytogenetic location: 2p15.
Variant type: copy number loss.
Change: copy number 1 (one copy instead of two) of chr2:61,379,352-61,928,100 (548.7 kb, GRCh37 coordinates, 1-based), cytogenetic band 2p15.
Identifiers: ClinVar variation 1807738 (VCV001807738.1).